The following is an entry in ClinVar:

NM_014967.5(FAN1):c.718G>A (p.Glu240Lys)

Gene: FAN1 (FANCD2 and FANCI associated nuclease 1; plus strand). Cytogenetic location: 15q13.3.
Variant type: single nucleotide variant.
Coding change: c.718G>A on transcript NM_014967.5 (MANE Select); coding-DNA position 718, G replaced by A.
Protein change: p.Glu240Lys; replaces glutamic acid 240 with lysine.
Molecular consequence: missense variant.
Genome position (GRCh38, 1-based): chr15:30,905,381, G>A. VCF-style: chr15-30905381-G-A. GRCh37 (hg19) VCF-style: chr15-31197584-G-A.
Other names: c.718G>A, p.Glu240Lys (NM_001146094.2, NM_001146095.1, NM_001146096.2); short protein forms E240K.
Identifiers: ClinVar variation 719369 (VCV000719369.39), dbSNP rs150748572, ClinGen allele CA7450117.

ClinVar aggregate classification (germline): Likely benign. Review status: criteria provided, multiple submitters, no conflicts (2 of 4 stars). 6 submissions from 6 submitters: Likely benign (4). 2 of the submissions do not count toward it. Last evaluated 2026-09-01.

Allele frequency attached by ClinVar (database versions not stated): 1000 Genomes Project 0.00120; 1000 Genomes Project 30x 0.00156; TOPMed 0.00332; gnomAD exomes 0.00344 and 0.00534; ExAC 0.00351; gnomAD 0.00357 and 0.00363; ESP Exome Variant Server 0.00361.

Submissions (6):

CeGaT Center for Human Genetics Tuebingen
Classification: Likely benign. Last evaluated: 2026-09-01. Review status: criteria provided, single submitter. Criteria: CeGaT Center For Human Genetics Tuebingen Variant Classification Criteria Version 2. Collection method: clinical testing. Allele origin: germline. Affected: yes. Observed: 5 variant alleles.
Comment: FAN1: BP4, BS2

Labcorp Genetics (formerly Invitae), Labcorp
Classification: Likely benign. Last evaluated: 2025-11-27. Review status: criteria provided, single submitter. Criteria: Invitae Variant Classification Sherloc (09022015). Collection method: clinical testing. Allele origin: germline.

GeneDx
Classification: Likely benign. Last evaluated: 2024-05-14. Review status: criteria provided, single submitter. Criteria: GeneDx Variant Classification Process June 2021. Collection method: clinical testing. Allele origin: germline. Affected: yes.
Comment: See Variant Classification Assertion Criteria.

Breakthrough Genomics
Classification: Likely benign. Review status: criteria provided, single submitter. Criteria: ACMG Guidelines, 2015. Collection method: not provided. Allele origin: germline. Inheritance: Autosomal recessive inheritance. Affected: yes.

Genome Diagnostics Laboratory, Amsterdam University Medical Center
Classification: Likely benign. Review status: no assertion criteria provided. Collection method: clinical testing. Allele origin: germline. Affected: yes. Study: VKGL Data-share Consensus. Not counted in ClinVar's aggregate classification.

Genome Diagnostics Laboratory, University Medical Center Utrecht
Classification: Likely benign. Review status: no assertion criteria provided. Collection method: clinical testing. Allele origin: germline. Affected: yes. Study: VKGL Data-share Consensus. Not counted in ClinVar's aggregate classification.